The following is an entry in ClinVar:

ClinVar aggregate classification (germline): Uncertain significance (1 of 4 stars; one submission).

Conditions:
Familial adenomatous polyposis 1 (FAP1). Also called: FAMILIAL ADENOMATOUS POLYPOSIS 1, ATTENUATED; POLYPOSIS, ADENOMATOUS INTESTINAL. Identifiers: MedGen C2713442, MONDO:0021056, OMIM 175100. Disease mechanism: loss of function.

Submission:

Labcorp Genetics (formerly Invitae), Labcorp
Classification: Uncertain significance for Familial adenomatous polyposis 1. Last evaluated: 2025-11-11. Review status: criteria provided, single submitter. Criteria: Invitae Variant Classification Sherloc (09022015). Collection method: clinical testing. Allele origin: germline.
Comment: This sequence change replaces threonine, which is neutral and polar, with serine, which is neutral and polar, at codon 166 of the APC protein (p.Thr166Ser). This variant is not present in population databases (gnomAD no frequency). This variant has not been reported in the literature in individuals affected with APC-related conditions. Invitae Evidence Modeling of protein sequence and biophysical properties (such as structural, functional, and spatial information, amino acid conservation, physicochemical variation, residue mobility, and thermodynamic stability) indicates that this missense variant is not expected to disrupt APC protein function with a negative predictive value of 95%. In summary, the available evidence is currently insufficient to determine the role of this variant in disease. Therefore, it has been classified as a Variant of Uncertain Significance.

NM_000038.6(APC):c.497C>G (p.Thr166Ser)

Gene: APC (APC regulator of Wnt signaling pathway; plus strand). Cytogenetic location: 5q22.2.
Variant type: single nucleotide variant.
Coding change: c.497C>G on transcript NM_000038.6 (MANE Select); coding-DNA position 497, C replaced by G.
Protein change: p.Thr166Ser; replaces threonine 166 with serine.
Molecular consequence: missense variant. On other transcripts: 5 prime UTR variant (4), non-coding transcript variant (2).
Genome position (GRCh38, 1-based): chr5:112,775,703, C>G. VCF-style: chr5-112775703-C-G. GRCh37 (hg19) VCF-style: chr5-112111400-C-G.
Other names: c.497C>G, p.Thr166Ser (NM_001407448.1, NM_001407449.1, NM_001407450.1 and 16 more transcripts); c.422C>G, p.Thr141Ser (NM_001407451.1, NM_001354898.2, NM_001354904.2); c.320C>G, p.Thr107Ser (NM_001407453.1, NM_001354900.2, NM_001354901.2 and 1 more transcripts); c.527C>G, p.Thr176Ser (NM_001127511.3, NM_001354897.2, NM_001354902.2 and 1 more transcripts); c.-539C>G (NM_001354906.2, NM_001407470.1, NM_001407471.1 and 1 more transcripts); short protein forms T107S, T141S, T166S, T176S.
Identifiers: ClinVar variation 4801437 (VCV004801437.1).